The following is an entry in ClinVar:

NM_002256.4(KISS1):c.349T>C (p.Phe117Leu)

Gene: KISS1 (KiSS-1 metastasis suppressor; minus strand). Cytogenetic location: 1q32.1.
Variant type: single nucleotide variant.
Coding change: c.349T>C on transcript NM_002256.4 (MANE Select); coding-DNA position 349, T replaced by C.
Protein change: p.Phe117Leu; replaces phenylalanine 117 with leucine.
Molecular consequence: missense variant.
Genome position (GRCh38, 1-based): chr1:204,190,552, A>G on the plus strand (T>C on the coding strand, the complement: KISS1 is on the minus strand). VCF-style: chr1-204190552-A-G. GRCh37 (hg19) VCF-style: chr1-204159680-A-G.
Other names: short protein forms F117L.
Identifiers: ClinVar variation 1303092 (VCV001303092.7), dbSNP rs199666322, ClinGen allele CA1345121.
Genomic context (GRCh38, chr1:204,190,552, plus strand): 5'-GCCCAGCGCTTCTGCCGTGGTTCCCTGGTGCCGCCTCCCGCTTGCCGAAGCGCAGGCCGA[A>G]GGAGTTCCAGTTGTAGTTCGGCAGGTCCTTCTCCCGCTGCACCAGCACCGCGCCCTGGGG-3'
Protein context (NP_002247.3, residues 107-127): KDLPNYNWNS[Phe117Leu]GLRFGKREAA

ClinVar aggregate classification (germline): Uncertain significance. Review status: criteria provided, multiple submitters, no conflicts (2 of 4 stars). 3 submissions from 3 submitters: Uncertain significance (3). Last evaluated 2024-12-04.

Allele frequency attached by ClinVar (database versions not stated): gnomAD 0.00016 and 0.00017; gnomAD exomes 0.00018 and 0.00020; TOPMed 0.00019; ExAC 0.00037.
gnomAD v4.1: 310 of 1,608,724 alleles (0.019%); highest among the groups gnomAD compares: Non-Finnish European, 0.025%; no homozygotes.

Submissions (3):

Labcorp Genetics (formerly Invitae), Labcorp
Classification: Uncertain significance. Last evaluated: 2024-12-04. Review status: criteria provided, single submitter. Criteria: Invitae Variant Classification Sherloc (09022015). Collection method: clinical testing. Allele origin: germline.
Comment: This sequence change replaces phenylalanine, which is neutral and non-polar, with leucine, which is neutral and non-polar, at codon 117 of the KISS1 protein (p.Phe117Leu). This variant is present in population databases (rs199666322, gnomAD 0.04%). This missense change has been observed in individual(s) with hypogonadotropic hypogonadism (PMID: 21880801, 29419413). ClinVar contains an entry for this variant (Variation ID: 1303092). An algorithm developed to predict the effect of missense changes on protein structure and function (PolyPhen-2) suggests that this variant is likely to be tolerated. Experimental studies have shown that this missense change affects KISS1 function (PMID: 21880801). In summary, the available evidence is currently insufficient to determine the role of this variant in disease. Therefore, it has been classified as a Variant of Uncertain Significance.

Blueprint Genetics
Classification: Uncertain significance. Last evaluated: 2023-09-13. Review status: criteria provided, single submitter. Criteria: ACMG Guidelines, 2015. Collection method: clinical testing. Allele origin: germline.

GeneDx
Classification: Uncertain significance. Last evaluated: 2019-04-05. Review status: criteria provided, single submitter. Criteria: GeneDx Variant Classification Process June 2021. Collection method: clinical testing. Allele origin: germline. Affected: yes.
Comment: Identified in the heterozygous state in patients with normosmic idiopathic hypogonadotropic hypogonadism in the published literature, however, this variant was also detected at a similar frequency in control populations (Chan et al., 2011; Cassatella et al., 2018); Published functional studies demonstrate a damaging effect with reduced inositol phosphate generation (Chan et al., 2011); This variant is associated with the following publications: (PMID: 21880801, 29419413)

Literature cited by the submitters: PubMed 21880801 (cited by Labcorp Genetics (formerly Invitae), Labcorp); PubMed 29419413 (cited by Labcorp Genetics (formerly Invitae), Labcorp).